The following is an entry in ClinVar:

NM_003072.5(SMARCA4):c.3145C>T (p.Pro1049Ser)

Gene: SMARCA4 (SWI/SNF related BAF chromatin remodeling complex subunit ATPase 4; plus strand). Cytogenetic location: 19p13.2.
Variant type: single nucleotide variant.
Coding change: c.3145C>T on transcript NM_003072.5 (MANE Select); coding-DNA position 3145, C replaced by T.
Protein change: p.Pro1049Ser; replaces proline 1049 with serine.
Molecular consequence: missense variant. On other transcripts: non-coding transcript variant (1).
Genome position (GRCh38, 1-based): chr19:11,025,485, C>T. VCF-style: chr19-11025485-C-T. GRCh37 (hg19) VCF-style: chr19-11136161-C-T.
Other names: c.3145C>T, p.Pro1049Ser (NM_001128844.3, NM_001128845.2, NM_001128846.2 and 6 more transcripts); short protein forms P1049S.
Identifiers: ClinVar variation 3695442 (VCV003695442.2).

ClinVar aggregate classification (germline): Uncertain significance (1 of 4 stars; one submission).

Conditions:
Rhabdoid tumor predisposition syndrome 2 (RTPS2). Identifiers: Orphanet 231108, Orphanet 69077, MedGen C2750074, MONDO:0013224, OMIM 613325.

Submission:

Labcorp Genetics (formerly Invitae), Labcorp
Classification: Uncertain significance for Rhabdoid tumor predisposition syndrome 2. Last evaluated: 2024-04-07. Review status: criteria provided, single submitter. Criteria: Invitae Variant Classification Sherloc (09022015). Collection method: clinical testing. Allele origin: germline.
Comment: This sequence change replaces proline, which is neutral and non-polar, with serine, which is neutral and polar, at codon 1049 of the SMARCA4 protein (p.Pro1049Ser). This variant is not present in population databases (gnomAD no frequency). This variant has not been reported in the literature in individuals affected with SMARCA4-related conditions. Advanced modeling of protein sequence and biophysical properties (such as structural, functional, and spatial information, amino acid conservation, physicochemical variation, residue mobility, and thermodynamic stability) performed at Invitae indicates that this missense variant is expected to disrupt SMARCA4 protein function with a positive predictive value of 95%. In summary, the available evidence is currently insufficient to determine the role of this variant in disease. Therefore, it has been classified as a Variant of Uncertain Significance.